The following is an entry in ClinVar:

ClinVar aggregate classification (germline): Likely pathogenic (1 of 4 stars; one submission).

Allele frequency attached by ClinVar (database versions not stated): TOPMed below 0.00001; gnomAD exomes 0.00001; ESP Exome Variant Server 0.00008.

Submission:

Labcorp Genetics (formerly Invitae), Labcorp
Classification: Likely pathogenic. Last evaluated: 2022-12-17. Review status: criteria provided, single submitter. Criteria: Invitae Variant Classification Sherloc (09022015). Collection method: clinical testing. Allele origin: germline.
Comment: In summary, the currently available evidence indicates that the variant is pathogenic, but additional data are needed to prove that conclusively. Therefore, this variant has been classified as Likely Pathogenic. Algorithms developed to predict the effect of sequence changes on RNA splicing suggest that this variant may disrupt the consensus splice site. This variant has not been reported in the literature in individuals affected with C1QBP-related conditions. This variant is present in population databases (rs142149129, gnomAD 0.0009%). This sequence change affects an acceptor splice site in intron 4 of the C1QBP gene. It is expected to disrupt RNA splicing. Variants that disrupt the donor or acceptor splice site typically lead to a loss of protein function (PMID: 16199547), and loss-of-function variants in C1QBP are known to be pathogenic (PMID: 28498888, 28942965).

Literature cited by the submitters: PubMed 16199547; PubMed 28498888; PubMed 28942965.

NM_001212.4(C1QBP):c.577-1G>A

Gene: C1QBP (complement C1q binding protein; minus strand). Cytogenetic location: 17p13.2.
Variant type: single nucleotide variant.
Coding change: c.577-1G>A on transcript NM_001212.4 (MANE Select); the canonical splice acceptor site of the intron before coding-DNA position 577, G replaced by A.
Molecular consequence: splice acceptor variant.
Genome position (GRCh38, 1-based): chr17:5,433,416, C>T on the plus strand (G>A on the coding strand, the complement: C1QBP is on the minus strand). VCF-style: chr17-5433416-C-T. GRCh37 (hg19) VCF-style: chr17-5336736-C-T.
Identifiers: ClinVar variation 2905520 (VCV002905520.3), dbSNP rs142149129, ClinGen allele CA287255746.